The following is an entry in ClinVar:

ClinVar aggregate classification (germline): Uncertain significance (1 of 4 stars; one submission).

gnomAD v4.1: 1 of 1,614,104 alleles (0.000062%); highest among the groups gnomAD compares: Non-Finnish European, 0.000085%; no homozygotes.

Submission:

GeneDx
Classification: Uncertain significance. Last evaluated: 2025-06-11. Review status: criteria provided, single submitter. Criteria: GeneDx Variant Classification Process June 2021. Collection method: clinical testing. Allele origin: germline. Affected: yes.
Comment: Not observed at significant frequency in large population cohorts (gnomAD); In silico analysis supports that this missense variant has a deleterious effect on protein structure/function; Has not been previously published as pathogenic or benign to our knowledge

NM_001303256.3(MORC2):c.1309C>T (p.Arg437Trp)

Gene: MORC2 (MORC family CW-type zinc finger 2; minus strand). Cytogenetic location: 22q12.2.
Variant type: single nucleotide variant.
Coding change: c.1309C>T on transcript NM_001303256.3 (MANE Select); coding-DNA position 1309, C replaced by T.
Protein change: p.Arg437Trp; replaces arginine 437 with tryptophan.
Molecular consequence: missense variant.
Genome position (GRCh38, 1-based): chr22:30,937,875, G>A on the plus strand (C>T on the coding strand, the complement: MORC2 is on the minus strand). VCF-style: chr22-30937875-G-A. GRCh37 (hg19) VCF-style: chr22-31333862-G-A.
Other names: c.1309C>T, p.Arg437Trp (NM_001303257.2); c.1123C>T, p.Arg375Trp (NM_014941.3); short protein forms R375W, R437W.
Identifiers: ClinVar variation 3370634 (VCV003370634.2).